The following is an entry in ClinVar:

NM_022168.4(IFIH1):c.1283A>G (p.Glu428Gly)

Gene: IFIH1 (interferon induced with helicase C domain 1; minus strand). Cytogenetic location: 2q24.2.
Variant type: single nucleotide variant.
Coding change: c.1283A>G on transcript NM_022168.4 (MANE Select); coding-DNA position 1283, A replaced by G.
Protein change: p.Glu428Gly; replaces glutamic acid 428 with glycine.
Molecular consequence: missense variant.
Genome position (GRCh38, 1-based): chr2:162,282,389, T>C on the plus strand (A>G on the coding strand, the complement: IFIH1 is on the minus strand). VCF-style: chr2-162282389-T-C. GRCh37 (hg19) VCF-style: chr2-163138899-T-C.
Other names: short protein forms E428G.
Identifiers: ClinVar variation 1699803 (VCV001699803.2), dbSNP rs74162081, ClinGen allele CA59665715.

ClinVar aggregate classification (germline): Uncertain significance (1 of 4 stars; one submission).

Allele frequency attached by ClinVar (database versions not stated): gnomAD exomes below 0.00001.
gnomAD v4.1: 1 of 1,610,536 alleles (0.000062%); highest among the groups gnomAD compares: Non-Finnish European, 0.000085%; no homozygotes.

Submission:

GeneDx
Classification: Uncertain significance. Last evaluated: 2022-01-28. Review status: criteria provided, single submitter. Criteria: GeneDx Variant Classification Process June 2021. Collection method: clinical testing. Allele origin: germline. Affected: yes.
Comment: Not observed at significant frequency in large population cohorts (gnomAD); In silico analysis supports that this missense variant has a deleterious effect on protein structure/function; Has not been previously published as pathogenic or benign to our knowledge